The following is an entry in ClinVar:

ClinVar aggregate classification (germline): Uncertain significance (1 of 4 stars; one submission).

Conditions:
Bethlem myopathy 1A. Also called: Bethlem myopathy 1; MYOPATHY, BENIGN CONGENITAL, WITH CONTRACTURES; Bethlem Muscular Dystrophy. Identifiers: Orphanet 610, MedGen CN029274, MONDO:0024530, OMIM 158810.

Submission:

Labcorp Genetics (formerly Invitae), Labcorp
Classification: Uncertain significance for Bethlem myopathy 1A. Last evaluated: 2023-05-21. Review status: criteria provided, single submitter. Criteria: Invitae Variant Classification Sherloc (09022015). Collection method: clinical testing. Allele origin: germline.
Comment: In summary, the available evidence is currently insufficient to determine the role of this variant in disease. Therefore, it has been classified as a Variant of Uncertain Significance. Variants that disrupt the consensus splice site are a relatively common cause of aberrant splicing (PMID: 17576681, 9536098). Algorithms developed to predict the effect of sequence changes on RNA splicing suggest that this variant may disrupt the consensus splice site. This variant has not been reported in the literature in individuals affected with COL6A3-related conditions. This variant is not present in population databases (gnomAD no frequency). This sequence change falls in intron 6 of the COL6A3 gene. It does not directly change the encoded amino acid sequence of the COL6A3 protein. It affects a nucleotide within the consensus splice site.

Literature cited by the submitters: PubMed 17576681; PubMed 9536098.

NM_004369.4(COL6A3):c.2497+3A>T

Gene: COL6A3 (collagen type VI alpha 3 chain; minus strand). Cytogenetic location: 2q37.3.
Variant type: single nucleotide variant.
Coding change: c.2497+3A>T on transcript NM_004369.4 (MANE Select); 3 bases into the intron after coding-DNA position 2497, A replaced by T.
Molecular consequence: intron variant.
Genome position (GRCh38, 1-based): chr2:237,378,633, T>A on the plus strand (A>T on the coding strand, the complement: COL6A3 is on the minus strand). VCF-style: chr2-237378633-T-A. GRCh37 (hg19) VCF-style: chr2-238287276-T-A.
Other names: c.677-1289A>T (NM_057166.5); c.1879+3A>T (NM_057167.4, NM_057165.5); c.1276+3A>T (NM_057164.5).
Identifiers: ClinVar variation 2830452 (VCV002830452.3), dbSNP rs2469919017, ClinGen allele CA2739277977.